The following is an entry in ClinVar:

ClinVar aggregate classification (germline): Likely benign. Review status: criteria provided, multiple submitters, no conflicts (2 of 4 stars). 2 submissions from 2 submitters: Likely benign (2). Last evaluated 2025-06-02.

Conditions:
Gamma-aminobutyric acid transaminase deficiency (GABATD). Also called: GABA transaminase deficiency; Gamma aminobutyrate transaminase deficiency; 4 alpha aminobutyrate transaminase deficiency; GABA aminotransaminase deficiency. Identifiers: Orphanet 2066, MedGen C0342708, MONDO:0013166, OMIM 613163.

Allele frequency attached by ClinVar (database versions not stated): ExAC 0.00003; gnomAD 0.00004 and 0.00005; gnomAD exomes 0.00005; TOPMed 0.00006; ESP Exome Variant Server 0.00015; 1000 Genomes Project 30x 0.00016; 1000 Genomes Project 0.00020.
gnomAD v4.1: 91 of 1,614,064 alleles (0.0056%); highest among the groups gnomAD compares: South Asian, 0.033%; no homozygotes.

Submissions (2):

Labcorp Genetics (formerly Invitae), Labcorp
Classification: Likely benign for Gamma-aminobutyric acid transaminase deficiency. Last evaluated: 2025-06-02. Review status: criteria provided, single submitter. Criteria: Invitae Variant Classification Sherloc (09022015). Collection method: clinical testing. Allele origin: germline.

Mayo Clinic Laboratories, Mayo Clinic
Classification: Likely benign. Last evaluated: 2025-04-02. Review status: criteria provided, single submitter. Criteria: ACMG Guidelines, 2015. Collection method: clinical testing. Allele origin: germline. Observed: 1 variant allele.
Comment: BP4, BP7

Literature cited by the submitters: PubMed 33057194 (cited by Mayo Clinic Laboratories, Mayo Clinic); PubMed 35982159 (cited by Mayo Clinic Laboratories, Mayo Clinic).

NM_020686.6(ABAT):c.510C>T (p.Asn170=)

Gene: ABAT (4-aminobutyrate aminotransferase; plus strand). Cytogenetic location: 16p13.2.
Variant type: single nucleotide variant.
Coding change: c.510C>T on transcript NM_020686.6 (MANE Select); coding-DNA position 510, C replaced by T.
Protein change: p.Asn170=; no amino-acid change (asparagine 170 retained).
Molecular consequence: synonymous variant. On other transcripts: intron variant (1).
Genome position (GRCh38, 1-based): chr16:8,764,800, C>T. VCF-style: chr16-8764800-C-T. GRCh37 (hg19) VCF-style: chr16-8858657-C-T.
Other names: p.Asn170=; c.510C>T, p.Asn170= (NM_000663.5, NM_001127448.2, NM_001386600.1 and 9 more transcripts); c.375C>T, p.Asn125= (NM_001386610.1, NM_001386611.1, NM_001386612.1 and 1 more transcripts); c.264C>T, p.Asn88= (NM_001386614.1); c.606C>T, p.Asn202= (NM_001386615.1); c.447+651C>T (NM_001386608.1).
Identifiers: ClinVar variation 1111852 (VCV001111852.10), dbSNP rs141981377, ClinGen allele CA7893156.